The following is an entry in ClinVar:

NM_000159.4(GCDH):c.285G>A (p.Glu95=)

Gene: GCDH (glutaryl-CoA dehydrogenase; plus strand). Cytogenetic location: 19p13.13.
Variant type: single nucleotide variant.
Coding change: c.285G>A on transcript NM_000159.4 (MANE Select); coding-DNA position 285, G replaced by A.
Protein change: p.Glu95=; no amino-acid change (glutamic acid 95 retained).
Molecular consequence: synonymous variant. On other transcripts: non-coding transcript variant (1).
Genome position (GRCh38, 1-based): chr19:12,892,129, G>A. VCF-style: chr19-12892129-G-A. GRCh37 (hg19) VCF-style: chr19-13002943-G-A.
Other names: c.285G>A, p.Glu95= (NM_013976.5).
Identifiers: ClinVar variation 387991 (VCV000387991.12), dbSNP rs772071645, ClinGen allele CA9234314.

ClinVar aggregate classification (germline): Likely benign. Review status: criteria provided, multiple submitters, no conflicts (2 of 4 stars). 2 submissions from 2 submitters: Likely benign (2). Last evaluated 2024-04-08.

Conditions:
Glutaric aciduria, type 1. Also called: Glutaric Acidemia Type 1; GA I; Glutaricacidemia Type 1; Glutaryl-CoA dehydrogenase deficiency; Glutaric acidemia type I; Glutaricaciduria, type I. Identifiers: Orphanet 25, MedGen C0268595, MONDO:0009281, OMIM 231670.

Allele frequency attached by ClinVar (database versions not stated): gnomAD 0.00004; gnomAD exomes 0.00004 and 0.00005; ExAC 0.00005; TOPMed 0.00006.
gnomAD v4.1: 64 of 1,614,192 alleles (0.004%); highest among the groups gnomAD compares: East Asian, 0.11%; no homozygotes.

Submissions (2):

Labcorp Genetics (formerly Invitae), Labcorp
Classification: Likely benign for Glutaric aciduria, type 1. Last evaluated: 2024-04-08. Review status: criteria provided, single submitter. Criteria: Invitae Variant Classification Sherloc (09022015). Collection method: clinical testing. Allele origin: germline.

GeneDx
Classification: Likely benign. Last evaluated: 2017-08-22. Review status: criteria provided, single submitter. Criteria: GeneDx Variant Classification (06012015). Collection method: clinical testing. Allele origin: germline. Affected: yes.
Comment: This variant is considered likely benign or benign based on one or more of the following criteria: it is a conservative change, it occurs at a poorly conserved position in the protein, it is predicted to be benign by multiple in silico algorithms, and/or has population frequency not consistent with disease.